The following is an entry in ClinVar:

NM_018896.5(CACNA1G):c.4724T>C (p.Val1575Ala)

Gene: CACNA1G (calcium voltage-gated channel subunit alpha1 G; plus strand). Cytogenetic location: 17q21.33.
Variant type: single nucleotide variant.
Coding change: c.4724T>C on transcript NM_018896.5 (MANE Select); coding-DNA position 4724, T replaced by C.
Protein change: p.Val1575Ala; replaces valine 1575 with alanine.
Molecular consequence: missense variant. On other transcripts: non-coding transcript variant (2), intron variant (17).
Genome position (GRCh38, 1-based): chr17:50,609,900, T>C. VCF-style: chr17-50609900-T-C. GRCh37 (hg19) VCF-style: chr17-48687261-T-C.
Other names: c.4745T>C, p.Val1582Ala (NM_001256325.2); c.4724T>C, p.Val1575Ala (NM_001256327.2, NM_001256333.2, NM_198384.3 and 1 more transcripts); c.4622T>C, p.Val1541Ala (NM_001256329.2); c.4553T>C, p.Val1518Ala (NM_001256332.2); c.4643T>C, p.Val1548Ala (NM_001256359.2); c.4655T>C, p.Val1552Ala (NM_198382.3, NM_198383.3); c.4726+1860T>C (NM_198377.3, NM_198380.3, NM_198378.3 and 1 more transcripts); c.4705+1881T>C (NM_001256324.2, NM_198386.3, NM_001256328.2); and 6 more; short protein forms V1518A, V1541A, V1548A, V1552A, V1575A, V1582A.
Identifiers: ClinVar variation 3360651 (VCV003360651.2).

ClinVar aggregate classification (germline): Uncertain significance. Review status: criteria provided, multiple submitters, no conflicts (2 of 4 stars). 2 submissions from 2 submitters: Uncertain significance (2). Last evaluated 2023-06-30.

Submissions (2):

GeneDx
Classification: Uncertain significance. Last evaluated: 2023-06-30. Review status: criteria provided, single submitter. Criteria: GeneDx Variant Classification Process June 2021. Collection method: clinical testing. Allele origin: germline. Affected: yes.
Comment: Has not been previously published as pathogenic or benign to our knowledge; Not observed at significant frequency in large population cohorts (gnomAD); In silico analysis supports that this missense variant does not alter protein structure/function

Blueprint Genetics
Classification: Uncertain significance. Last evaluated: 2021-10-19. Review status: criteria provided, single submitter. Criteria: ACMG Guidelines, 2015. Collection method: clinical testing. Allele origin: germline.